The following is an entry in ClinVar:

ClinVar aggregate classification (germline): Uncertain significance (1 of 4 stars; one submission).

Submission:

GeneDx
Classification: Uncertain significance. Last evaluated: 2022-03-15. Review status: criteria provided, single submitter. Criteria: GeneDx Variant Classification Process June 2021. Collection method: clinical testing. Allele origin: germline. Affected: yes.
Comment: Not observed at significant frequency in large population cohorts (gnomAD); In silico analysis supports that this missense variant does not alter protein structure/function; Has not been previously published as pathogenic or benign to our knowledge

NM_014727.3(KMT2B):c.116G>T (p.Gly39Val)

Gene: KMT2B (lysine methyltransferase 2B; plus strand). Cytogenetic location: 19q13.12.
Variant type: single nucleotide variant.
Coding change: c.116G>T on transcript NM_014727.3 (MANE Select); coding-DNA position 116, G replaced by T.
Protein change: p.Gly39Val; replaces glycine 39 with valine.
Molecular consequence: missense variant.
Genome position (GRCh38, 1-based): chr19:35,718,134, G>T. VCF-style: chr19-35718134-G-T. GRCh37 (hg19) VCF-style: chr19-36209036-G-T.
Other names: short protein forms G39V.
Identifiers: ClinVar variation 1706170 (VCV001706170.2), dbSNP rs2513306358, ClinGen allele CA405374595.